The following is an entry in ClinVar:

NM_025114.4(CEP290):c.4638A>T (p.Gln1546His)

Gene: CEP290 (centrosomal protein 290; minus strand). Cytogenetic location: 12q21.32.
Variant type: single nucleotide variant.
Coding change: c.4638A>T on transcript NM_025114.4 (MANE Select); coding-DNA position 4638, A replaced by T.
Protein change: p.Gln1546His; replaces glutamine 1546 with histidine.
Molecular consequence: missense variant.
Genome position (GRCh38, 1-based): chr12:88,084,652, T>A on the plus strand (A>T on the coding strand, the complement: CEP290 is on the minus strand). VCF-style: chr12-88084652-T-A. GRCh37 (hg19) VCF-style: chr12-88478429-T-A.
Other names: short protein forms Q1546H.
Identifiers: ClinVar variation 2191795 (VCV002191795.4), dbSNP rs2499986466, ClinGen allele CA385994840.

ClinVar aggregate classification (germline): Uncertain significance (1 of 4 stars; one submission).

Conditions:
Joubert syndrome. Also called: CEREBELLOPARENCHYMAL DISORDER IV; JOUBERT-BOLTSHAUSER SYNDROME; Familial aplasia of the vermis. Identifiers: Orphanet 475, MedGen C5979921, MONDO:0018772.
Nephronophthisis. Also called: Juvenile Nephronophthisis. Identifiers: Orphanet 655, MedGen C0687120, MONDO:0019005, HP:0000090.
Meckel-Gruber syndrome. Also called: DYSENCEPHALIA SPLANCHNOCYSTICA; GRUBER SYNDROME; Dysencephalia splachnocystica. Identifiers: Orphanet 564, MedGen C0265215, MONDO:0018921.

Submission:

Labcorp Genetics (formerly Invitae), Labcorp
Classification: Uncertain significance for Joubert syndrome; Meckel-Gruber syndrome; Nephronophthisis. Last evaluated: 2022-02-01. Review status: criteria provided, single submitter. Criteria: Invitae Variant Classification Sherloc (09022015). Collection method: clinical testing. Allele origin: germline.
Comment: This variant is not present in population databases (gnomAD no frequency). This sequence change replaces glutamine, which is neutral and polar, with histidine, which is basic and polar, at codon 1546 of the CEP290 protein (p.Gln1546His). This variant has not been reported in the literature in individuals affected with CEP290-related conditions. In summary, the available evidence is currently insufficient to determine the role of this variant in disease. Therefore, it has been classified as a Variant of Uncertain Significance. Algorithms developed to predict the effect of missense changes on protein structure and function are either unavailable or do not agree on the potential impact of this missense change (SIFT: "Tolerated"; PolyPhen-2: "Probably Damaging"; Align-GVGD: "Class C0").